The following is an entry in ClinVar:

NM_058216.3(RAD51C):c.706-18T>C

Gene: RAD51C (RAD51 paralog C; plus strand). Cytogenetic location: 17q22.
Variant type: single nucleotide variant.
Coding change: c.706-18T>C on transcript NM_058216.3 (MANE Select); 18 bases into the intron before coding-DNA position 706, T replaced by C.
Molecular consequence: intron variant.
Genome position (GRCh38, 1-based): chr17:58,709,841, T>C. VCF-style: chr17-58709841-T-C. GRCh37 (hg19) VCF-style: chr17-56787202-T-C.
Identifiers: ClinVar variation 142154 (VCV000142154.53), dbSNP rs56401264, ClinGen allele CA294278.

ClinVar aggregate classification (germline): Benign/Likely benign. Review status: criteria provided, multiple submitters, no conflicts (2 of 4 stars). 18 submissions from 17 submitters: Benign (11); Likely benign (2). 5 of the submissions do not count toward it. Last evaluated 2026-02-03.

Conditions:
Hereditary cancer-predisposing syndrome. Also called: Neoplastic Syndromes, Hereditary; Hereditary Cancer Syndrome; Tumor predisposition; Hereditary neoplastic syndrome. Identifiers: Orphanet 140162, MedGen C0027672, MeSH D009386, MONDO:0015356.
Breast and/or ovarian cancer. Identifiers: MedGen CN221562.
Breast-ovarian cancer, familial, susceptibility to, 3. Also called: RAD51C-Related Breast/Ovarian Cancer. Identifiers: Orphanet 145, MedGen C3150659, MONDO:0013253, OMIM 613399.
Fanconi anemia complementation group O. Also called: RAD51C-Related Fanconi Anemia. Identifiers: Orphanet 84, MedGen C3150653, MONDO:0013248, OMIM 613390.

Allele frequency attached by ClinVar (database versions not stated): ESP Exome Variant Server 0.00023; gnomAD 0.00047 and 0.00066; ExAC 0.00117; 1000 Genomes Project 0.00260; gnomAD exomes 0.00123; TOPMed 0.00040; 1000 Genomes Project 30x 0.00234.
gnomAD v4.1: 886 of 1,594,000 alleles (0.056%); highest among the groups gnomAD compares: East Asian, 1.2%; 6 homozygotes.

Submissions (18):

Labcorp Genetics (formerly Invitae), Labcorp
Classification: Benign for Fanconi anemia complementation group O. Last evaluated: 2026-02-03. Review status: criteria provided, single submitter. Criteria: Invitae Variant Classification Sherloc (09022015). Collection method: clinical testing. Allele origin: germline.

Molecular Diagnostics Laboratory, Catalan Institute of Oncology
Classification: Benign for Hereditary cancer-predisposing syndrome. Last evaluated: 2025-07-07. Review status: criteria provided, single submitter. Criteria: ACMG Guidelines, 2015. Collection method: clinical testing. Allele origin: germline.
Comment: BA1, BP4 RAD51C c.706-18T>C is an intronic variant located close to a canonical splice site. The variant allele was found in 226/19244 alleles, with a filtering allele frequency of 1.0003% at 99% confidence, within the East Asian population in the gnomAD v2.1.1 database (non-cancer data set) (BA1). The SpliceAI algorithm predicts no significant impact on splicing (BP4). To our knowledge, neither relevant clinical data nor well-established functional studies have been reported for this variant. It has been reported in the ClinVar database (12x benign, 3x likely benign) and in the LOVD database (3x benign, 2x likely benign). Based on the currently available information, c.706-18T>C is classified as a benign variant according to ACMG guidelines.

Center for Genomic Medicine, Rigshospitalet, Copenhagen University Hospital
Classification: Benign. Last evaluated: 2025-03-04. Review status: criteria provided, single submitter. Criteria: ACMG Guidelines, 2015. Collection method: clinical testing. Allele origin: germline.

ARUP Laboratories, Molecular Genetics and Genomics, ARUP Laboratories
Classification: Benign. Last evaluated: 2024-12-20. Review status: criteria provided, single submitter. Criteria: ARUP Molecular Germline Variant Investigation Process 2024. Collection method: clinical testing. Allele origin: germline.

Blueprint Genetics
Classification: Likely benign. Last evaluated: 2024-09-12. Review status: criteria provided, single submitter. Criteria: ACMG Guidelines, 2015. Collection method: clinical testing. Allele origin: germline.

KCCC/NGS Laboratory, Kuwait Cancer Control Center
Classification: Benign for Breast-ovarian cancer, familial, susceptibility to, 3. Last evaluated: 2023-07-07. Review status: criteria provided, single submitter. Criteria: ACMG Guidelines, 2015. Collection method: clinical testing. Allele origin: germline. Affected: yes.

Myriad Genetics, Inc.
Classification: Benign for Breast-ovarian cancer, familial, susceptibility to, 3. Last evaluated: 2023-04-05. Review status: criteria provided, single submitter. Criteria: Myriad Autosomal Dominant, Autosomal Recessive and X-Linked Classification Criteria (2023). Collection method: clinical testing. Allele origin: unknown.
Comment: This variant is considered benign. This variant is intronic and is not expected to impact mRNA splicing. This variant has been observed at a population frequency that is significantly greater than expected given the associated disease prevalence and penetrance.

CeGaT Center for Human Genetics Tuebingen
Classification: Benign. Last evaluated: 2022-11-01. Review status: criteria provided, single submitter. Criteria: CeGaT Center For Human Genetics Tuebingen Variant Classification Criteria Version 2. Collection method: clinical testing. Allele origin: germline. Affected: yes. Observed: 1 variant allele.
Comment: RAD51C: BS1, BS2

CHEO Genetics Diagnostic Laboratory, Children's Hospital of Eastern Ontario
Classification: Benign for Breast and/or ovarian cancer. Last evaluated: 2022-10-19. Review status: criteria provided, single submitter. Criteria: ACMG Guidelines, 2015. Collection method: clinical testing. Allele origin: germline.

PreventionGenetics, part of Exact Sciences
Classification: Benign. Last evaluated: 2018-01-08. Review status: criteria provided, single submitter. Criteria: ACMG Guidelines, 2015. Collection method: clinical testing. Allele origin: germline.

Color Diagnostics, LLC DBA Color Health
Classification: Benign for Hereditary cancer-predisposing syndrome. Last evaluated: 2015-04-22. Review status: criteria provided, single submitter. Criteria: ACMG Guidelines, 2015. Collection method: clinical testing. Allele origin: germline.

Ambry Genetics
Classification: Likely benign for Hereditary cancer-predisposing syndrome. Last evaluated: 2015-03-19. Review status: criteria provided, single submitter. Criteria: Ambry Variant Classification Scheme 2023. Collection method: clinical testing. Allele origin: germline.

GeneDx
Classification: Benign. Last evaluated: 2014-06-13. Review status: criteria provided, single submitter. Criteria: GeneDx Variant Classification (06012015). Collection method: clinical testing. Allele origin: germline. Affected: yes.
Comment: This variant is considered likely benign or benign based on one or more of the following criteria: it is a conservative change, it occurs at a poorly conserved position in the protein, it is predicted to be benign by multiple in silico algorithms, and/or has population frequency not consistent with disease.

Counsyl
Classification: Likely benign for Fanconi anemia complementation group O. Last evaluated: 2016-06-09. Review status: no assertion criteria provided. Collection method: clinical testing. Allele origin: unknown. Not counted in ClinVar's aggregate classification.

Counsyl
Classification: Likely benign for Breast-ovarian cancer, familial, susceptibility to, 3. Last evaluated: 2016-06-09. Review status: no assertion criteria provided. Collection method: clinical testing. Allele origin: unknown. Not counted in ClinVar's aggregate classification.

Clinical Genetics Laboratory, Department of Pathology, Netherlands Cancer Institute
Classification: Benign. Review status: no assertion criteria provided. Collection method: clinical testing. Allele origin: germline. Affected: yes. Study: VKGL Data-share Consensus. Not counted in ClinVar's aggregate classification.

Genome Diagnostics Laboratory, University Medical Center Utrecht
Classification: Benign. Review status: no assertion criteria provided. Collection method: clinical testing. Allele origin: germline. Affected: yes. Study: VKGL Data-share Consensus. Not counted in ClinVar's aggregate classification.

Joint Genome Diagnostic Labs from Nijmegen and Maastricht, Radboudumc and MUMC+
Classification: Benign. Review status: no assertion criteria provided. Collection method: clinical testing. Allele origin: germline. Affected: yes. Study: VKGL Data-share Consensus. Not counted in ClinVar's aggregate classification.